The following is an entry in ClinVar:

NM_000368.5(TSC1):c.1015A>T (p.Thr339Ser)

Gene: TSC1 (TSC complex subunit 1; minus strand). Cytogenetic location: 9q34.13.
Variant type: single nucleotide variant.
Coding change: c.1015A>T on transcript NM_000368.5 (MANE Select); coding-DNA position 1015, A replaced by T.
Protein change: p.Thr339Ser; replaces threonine 339 with serine.
Molecular consequence: missense variant.
Genome position (GRCh38, 1-based): chr9:132,911,467, T>A on the plus strand (A>T on the coding strand, the complement: TSC1 is on the minus strand). VCF-style: chr9-132911467-T-A. GRCh37 (hg19) VCF-style: chr9-135786854-T-A.
Other names: c.1015A>T, p.Thr339Ser (NM_001162426.2); c.862A>T, p.Thr288Ser (NM_001162427.2); c.652A>T, p.Thr218Ser (NM_001362177.2); short protein forms T218S, T288S, T339S.
Identifiers: ClinVar variation 1000487 (VCV001000487.9), dbSNP rs570809282, ClinGen allele CA026715.
Genomic context (GRCh38, chr9:132,911,467, plus strand): 5'-CACCAGAAAGCAGAGGAGAGAGCAGGCACACTAGTTGACACCATACTTGTGGTGGTTCAG[T>A]TATCAGCCGTGTCGATGGGGAACTCAGAGTCTGAGGTAGCTGCCCTGGCATATTTAACAA-3'
Protein context (NP_000359.1, residues 329-349): TLSSPSTRLI[Thr339Ser]EPPQATLWSP

ClinVar aggregate classification (germline): Conflicting classifications of pathogenicity. Review status: criteria provided, conflicting classifications (1 of 4 stars). 2 submissions from 2 submitters: Uncertain significance (1); Likely benign (1). Last evaluated 2025-10-05.

Conditions:
Tuberous sclerosis 1 (TSC1). Identifiers: Orphanet 805, MedGen C1854465, MONDO:0008612, OMIM 191100.
Tuberous sclerosis syndrome (TSC). Also called: Tuberous sclerosis; Tuberous Sclerosis Complex. Identifiers: Orphanet 805, MedGen C0041341, MONDO:0001734.

Allele frequency attached by ClinVar (database versions not stated): gnomAD exomes below 0.00001; ExAC 0.00001; gnomAD 0.00001; 1000 Genomes Project 30x 0.00016; 1000 Genomes Project 0.00020.
gnomAD v4.1: 2 of 1,612,858 alleles (0.00012%); highest among the groups gnomAD compares: Admixed American, 0.0033%; no homozygotes.

Submissions (2):

Color Diagnostics, LLC DBA Color Health
Classification: Uncertain significance for Tuberous sclerosis syndrome. Last evaluated: 2025-10-05. Review status: criteria provided, single submitter. Criteria: ACMG Guidelines, 2015. Collection method: clinical testing. Allele origin: germline.
Comment: This missense variant replaces threonine with serine at codon 339 of the TSC1 protein. Computational prediction suggests that this variant may not impact protein structure and function. To our knowledge, functional studies have not been reported for this variant. This variant has not been reported in individuals affected with TSC1-related disorders in the literature. This variant has been identified in 2/1612858 chromosomes in the general population by the Genome Aggregation Database (gnomAD). The available evidence is insufficient to determine the role of this variant in disease conclusively. Therefore, this variant is classified as a Variant of Uncertain Significance.

Labcorp Genetics (formerly Invitae), Labcorp
Classification: Likely benign for Tuberous sclerosis 1. Last evaluated: 2024-10-09. Review status: criteria provided, single submitter. Criteria: Invitae Variant Classification Sherloc (09022015). Collection method: clinical testing. Allele origin: germline.